The following is an entry in ClinVar:

ClinVar aggregate classification (germline): Uncertain significance (1 of 4 stars; one submission).

Conditions:
Familial adenomatous polyposis 1 (FAP1). Also called: POLYPOSIS, ADENOMATOUS INTESTINAL; FAMILIAL ADENOMATOUS POLYPOSIS 1, ATTENUATED. Identifiers: MedGen C2713442, MONDO:0021056, OMIM 175100. Disease mechanism: loss of function.

gnomAD v4.1: 1 of 1,598,482 alleles (0.000063%); highest among the groups gnomAD compares: Non-Finnish European, 0.000086%; no homozygotes.

Submission:

Labcorp Genetics (formerly Invitae), Labcorp
Classification: Uncertain significance for Familial adenomatous polyposis 1. Last evaluated: 2023-01-16. Review status: criteria provided, single submitter. Criteria: Invitae Variant Classification Sherloc (09022015). Collection method: clinical testing. Allele origin: germline.
Comment: In summary, the available evidence is currently insufficient to determine the role of this variant in disease. Therefore, it has been classified as a Variant of Uncertain Significance. Advanced modeling of protein sequence and biophysical properties (such as structural, functional, and spatial information, amino acid conservation, physicochemical variation, residue mobility, and thermodynamic stability) performed at Invitae indicates that this missense variant is not expected to disrupt APC protein function. This missense change has been observed in individual(s) with colorectal cancer (PMID: 28135145). This variant is not present in population databases (gnomAD no frequency). This sequence change replaces alanine, which is neutral and non-polar, with threonine, which is neutral and polar, at codon 214 of the APC protein (p.Ala214Thr).

Literature cited by the submitters: PubMed 28135145.

NM_000038.6(APC):c.640G>A (p.Ala214Thr)

Gene: APC (APC regulator of Wnt signaling pathway; plus strand). Cytogenetic location: 5q22.2.
Variant type: single nucleotide variant.
Coding change: c.640G>A on transcript NM_000038.6 (MANE Select); coding-DNA position 640, G replaced by A.
Protein change: p.Ala214Thr; replaces alanine 214 with threonine.
Molecular consequence: missense variant. On other transcripts: 5 prime UTR variant (4), non-coding transcript variant (2).
Genome position (GRCh38, 1-based): chr5:112,780,898, G>A. VCF-style: chr5-112780898-G-A. GRCh37 (hg19) VCF-style: chr5-112116595-G-A.
Other names: c.640G>A, p.Ala214Thr (NM_001127510.3, NM_001354895.2, NM_001354896.2 and 16 more transcripts); c.670G>A, p.Ala224Thr (NM_001127511.3, NM_001354897.2, NM_001354902.2 and 1 more transcripts); c.565G>A, p.Ala189Thr (NM_001354898.2, NM_001354904.2, NM_001407451.1); c.463G>A, p.Ala155Thr (NM_001354900.2, NM_001354901.2, NM_001354905.2 and 1 more transcripts); c.-396G>A (NM_001354906.2, NM_001407470.1, NM_001407471.1 and 1 more transcripts); short protein forms A189T, A224T, A155T, A214T.
Identifiers: ClinVar variation 2734756 (VCV002734756.3), dbSNP rs1580380433, ClinGen allele CA16022738.
Genomic context (GRCh38, chr5:112,780,898, plus strand): 5'-AGGCAAATCAGAGTTGCGATGGAAGAACAACTAGGTACCTGCCAGGATATGGAAAAACGA[G>A]CACAGGTAAGTTACTTGTTTCTAAGTGATAAAACAGCGAAGAGCTATTAGGAATAAAATG-3'
Protein context (NP_000029.2, residues 204-224): LGTCQDMEKR[Ala214Thr]QRRIARIQQI